The following is an entry in ClinVar:

ClinVar aggregate classification (germline): Likely benign (1 of 4 stars; one submission).

Allele frequency attached by ClinVar (database versions not stated): gnomAD 0.00017; ESP Exome Variant Server 0.00732.
gnomAD v4.1: 23 of 1,465,932 alleles (0.0016%); highest among the groups gnomAD compares: East Asian, 0.0025%; 1 homozygote.

Submission:

CeGaT Center for Human Genetics Tuebingen
Classification: Likely benign. Last evaluated: 2023-06-01. Review status: criteria provided, single submitter. Criteria: CeGaT Center For Human Genetics Tuebingen Variant Classification Criteria Version 2. Collection method: clinical testing. Allele origin: germline. Affected: yes. Observed: 3 variant alleles.
Comment: OGFR: BP4, BP7

NM_007346.4(OGFR):c.1776T>C (p.Asp592=)

Gene: OGFR (opioid growth factor receptor; plus strand). Cytogenetic location: 20q13.33.
Variant type: single nucleotide variant.
Coding change: c.1776T>C on transcript NM_007346.4 (MANE Select); coding-DNA position 1776, T replaced by C.
Protein change: p.Asp592=; no amino-acid change (aspartic acid 592 retained).
Molecular consequence: synonymous variant.
Genome position (GRCh38, 1-based): chr20:62,813,391, T>C. VCF-style: chr20-62813391-T-C. GRCh37 (hg19) VCF-style: chr20-61444743-T-C.
Identifiers: ClinVar variation 2652504 (VCV002652504.24), dbSNP rs202064940, ClinGen allele CA9948855.
Genomic context (GRCh38, chr20:62,813,391, plus strand): 5'-CGAGCCAGCCGAGAGCCCATCGGAGACCCCAGGCCCCAGCCCGGCAGGACCTACAAGGGA[T>C]GAGCCAGCCGAGAGCCCATCGGAGACCCCAGGCCCCCGCCCGGCAGGACCTGCAGGGGAC-3'
Protein context (NP_031372.2, residues 582-602): PGPSPAGPTR[Asp592=]EPAESPSETP